The following is an entry in ClinVar:

ClinVar aggregate classification (germline): Pathogenic/Likely pathogenic. Review status: criteria provided, multiple submitters, no conflicts (2 of 4 stars). 6 submissions from 6 submitters: Pathogenic (4); Likely pathogenic (1). 1 of the submissions does not count toward it. Last evaluated 2025-11-22.

Conditions:
3-Oxo-5 alpha-steroid delta 4-dehydrogenase deficiency (PPSH). Also called: FAMILIAL INCOMPLETE MALE PSEUDOHERMAPHRODITISM, TYPE 2; MALE PSEUDOHERMAPHRODITISM DUE TO 5-ALPHA-REDUCTASE DEFICIENCY; PSEUDOVAGINAL PERINEOSCROTAL HYPOSPADIAS; 46,XY disorder of sex development due to 5-alpha-reductase 2 deficiency. Identifiers: Orphanet 753, MedGen C0268297, MONDO:0009923, OMIM 264600. Disease mechanism: loss of function.

Allele frequency attached by ClinVar (database versions not stated): gnomAD exomes 0.00004 and 0.00009; ExAC 0.00012; TOPMed 0.00002; gnomAD 0.00003 and 0.00002; 1000 Genomes Project 30x 0.00016.
gnomAD v4.1: 68 of 1,613,910 alleles (0.0042%); highest among the groups gnomAD compares: East Asian, 0.045%; no homozygotes.

Submissions (6):

3billion
Classification: Pathogenic for 3-Oxo-5 alpha-steroid delta 4-dehydrogenase deficiency. Last evaluated: 2025-11-22. Review status: criteria provided, single submitter. Criteria: ACMG Guidelines, 2015. Collection method: clinical testing. Allele origin: germline. Affected: yes.
Comment: The variant is observed at an extremely low frequency in the gnomAD v4.1.0 dataset (total allele frequency: 0.004%). Predicted Consequence/Location: Missense variant Functional studies provide strong evidence of the variant having a damaging effect on the gene or gene product (PMID: 21540559). In silico tool predictions suggest damaging effect of the variant on gene or gene product [3Cnet: 0.96 (> 0.75, sensitivity 0.96 and precision 0.92)]. The same nucleotide change resulting in the same amino acid change has been previously reported as pathogenic/likely pathogenic with strong evidence (ClinVar ID: VCV000459640 /PMID: 9135696 /3billion dataset). The variant has been observed in multiple (>3) similarly affected unrelated individuals (PMID: 21540559). The variant is in trans with the other variant. Different missense changes at the same codon (p.Gly203Asp, p.Gly203Val) have been reported to be associated with SRD5A2-related disorder (PMID: 32669180 /3billion dataset). Therefore, this variant is classified as Pathogenic according to the recommendation of ACMG/AMP guideline.

Fulgent Genetics
Classification: Likely pathogenic for 3-Oxo-5 alpha-steroid delta 4-dehydrogenase deficiency. Last evaluated: 2024-06-06. Review status: criteria provided, single submitter. Criteria: ACMG Guidelines, 2015. Collection method: clinical testing. Allele origin: germline.

Labcorp Genetics (formerly Invitae), Labcorp
Classification: Pathogenic for 3-Oxo-5 alpha-steroid delta 4-dehydrogenase deficiency. Last evaluated: 2024-01-28. Review status: criteria provided, single submitter. Criteria: Invitae Variant Classification Sherloc (09022015). Collection method: clinical testing. Allele origin: germline.
Comment: This sequence change replaces glycine, which is neutral and non-polar, with serine, which is neutral and polar, at codon 203 of the SRD5A2 protein (p.Gly203Ser). This variant is present in population databases (rs9332961, gnomAD 0.09%). This missense change has been observed in individuals with 5alpha-reductase type 2 deficiency (PMID: 2154055, 9135696, 15266301, 19342739, 21147889, 23329752, 24665940, 25899528). It has also been observed to segregate with disease in related individuals. ClinVar contains an entry for this variant (Variation ID: 459640). Advanced modeling of protein sequence and biophysical properties (such as structural, functional, and spatial information, amino acid conservation, physicochemical variation, residue mobility, and thermodynamic stability) performed at Invitae indicates that this missense variant is not expected to disrupt SRD5A2 protein function with a negative predictive value of 80%. Experimental studies have shown that this missense change affects SRD5A2 function (PMID: 21540559). For these reasons, this variant has been classified as Pathogenic.

Victorian Clinical Genetics Services, Murdoch Childrens Research Institute
Classification: Pathogenic for 3-Oxo-5 alpha-steroid delta 4-dehydrogenase deficiency. Last evaluated: 2022-02-02. Review status: criteria provided, single submitter. Criteria: ACMG Guidelines, 2015. Collection method: clinical testing. Allele origin: germline. Inheritance: Autosomal recessive inheritance. Affected: yes.
Comment: Based on the classification scheme VCGS_Germline_v1.3.4, this variant is classified as Pathogenic. Following criteria are met: 0102 - Loss of function is a known mechanism of disease in this gene and is associated with pseudovaginal perineoscrotal hypospadias (MIM#264600). (I) 0106 - This gene is associated with autosomal recessive disease. (I) 0200 - Variant is predicted to result in a missense amino acid change from glycine to serine. (I) 0251 - This variant is heterozygous. (I) 0304 - Variant is present in gnomAD (v2) <0.01 for a recessive condition (23 heterozygotes, 0 homozygotes). (SP) 0502 - Missense variant with conflicting in silico predictions and uninformative conservation. (I) 0600 - Variant is located in the annotated Steroid_dh domain (NCBI). (I) 0801 - This variant has strong previous evidence of pathogenicity in unrelated individuals. This variant has been reported as pathogenic, and reported in many homozygous and compound heterozygous individuals with severe hypospadias (ClinVar, PMID: 32713132, PMID: 15266301). (SP) 1102 - Strong phenotype match for this individual. (SP) 1208 - Inheritance information for this variant is not currently available in this individual. (I) Legend: (SP) - Supporting pathogenic, (I) - Information, (SB) - Supporting benign

Juno Genomics, Hangzhou Juno Genomics, Inc
Classification: Pathogenic for 3-Oxo-5 alpha-steroid delta 4-dehydrogenase deficiency. Review status: criteria provided, single submitter. Criteria: ACMG Guidelines, 2015. Collection method: clinical testing. Allele origin: germline. Affected: yes.
Comment: Absent from controls (or at extremely low frequency if recessive) in Genome Aggregation Database, Exome Sequencing Project, 1000 Genomes Project, or Exome Aggregation Consortium.;For recessive disorders, detected in trans with a pathogenic variant.;Patient's phenotype or family history is highly specific for a disease with a single genetic etiology.

Clinical Molecular Genetics Laboratory, Johns Hopkins All Children's Hospital
Classification: Pathogenic for 3-Oxo-5 alpha-steroid delta 4-dehydrogenase deficiency. Last evaluated: 2016-04-12. Review status: no assertion criteria provided. Collection method: clinical testing. Allele origin: germline. Affected: yes. Not counted in ClinVar's aggregate classification.

Literature cited by the submitters: PubMed 9135696 (cited by 3billion and Labcorp Genetics (formerly Invitae), Labcorp); PubMed 32669180 (cited by 3billion); PubMed 21540559 (cited by 3billion and Labcorp Genetics (formerly Invitae), Labcorp); PubMed 2154055 (cited by Labcorp Genetics (formerly Invitae), Labcorp); PubMed 15266301 (cited by Labcorp Genetics (formerly Invitae), Labcorp and Victorian Clinical Genetics Services, Murdoch Childrens Research Institute); PubMed 19342739 (cited by Labcorp Genetics (formerly Invitae), Labcorp); PubMed 21147889 (cited by Labcorp Genetics (formerly Invitae), Labcorp); PubMed 23329752 (cited by Labcorp Genetics (formerly Invitae), Labcorp); PubMed 24665940 (cited by Labcorp Genetics (formerly Invitae), Labcorp); PubMed 25899528 (cited by Labcorp Genetics (formerly Invitae), Labcorp); PubMed 32713132 (cited by Victorian Clinical Genetics Services, Murdoch Childrens Research Institute).

NM_000348.4(SRD5A2):c.607G>A (p.Gly203Ser)

Gene: SRD5A2 (steroid 5 alpha-reductase 2; minus strand). Cytogenetic location: 2p23.1.
Variant type: single nucleotide variant.
Coding change: c.607G>A on transcript NM_000348.4 (MANE Select); coding-DNA position 607, G replaced by A.
Protein change: p.Gly203Ser; replaces glycine 203 with serine.
Molecular consequence: missense variant.
Genome position (GRCh38, 1-based): chr2:31,529,398, C>T on the plus strand (G>A on the coding strand, the complement: SRD5A2 is on the minus strand). VCF-style: chr2-31529398-C-T. GRCh37 (hg19) VCF-style: chr2-31754468-C-T.
Other names: short protein forms G203S.
Identifiers: ClinVar variation 459640 (VCV000459640.16), dbSNP rs9332961, ClinGen allele CA1599879.